The following is an entry in ClinVar:

NM_001330311.2(DVL1):c.733A>G (p.Met245Val)

Gene: DVL1 (dishevelled segment polarity protein 1; minus strand). Cytogenetic location: 1p36.33.
Variant type: single nucleotide variant.
Coding change: c.733A>G on transcript NM_001330311.2 (MANE Select); coding-DNA position 733, A replaced by G.
Protein change: p.Met245Val; replaces methionine 245 with valine.
Molecular consequence: missense variant.
Genome position (GRCh38, 1-based): chr1:1,340,283, T>C on the plus strand (A>G on the coding strand, the complement: DVL1 is on the minus strand). VCF-style: chr1-1340283-T-C. GRCh37 (hg19) VCF-style: chr1-1275663-T-C.
Other names: c.733A>G, p.Met245Val (NM_004421.3); short protein forms M245V.
Identifiers: ClinVar variation 4887350 (VCV004887350.1).

ClinVar aggregate classification (germline): Uncertain significance (1 of 4 stars; one submission).

Submission:

Women's Health and Genetics/Laboratory Corporation of America, LabCorp
Classification: Uncertain significance. Last evaluated: 2026-06-10. Review status: criteria provided, single submitter. Criteria: LabCorp Variant Classification Summary - May 2015. Collection method: clinical testing. Allele origin: germline.
Comment: Variant summary: DVL1 c.733A>G (p.Met245Val) results in a conservative amino acid change in the encoded protein sequence. Algorithms developed to predict the effect of missense changes on protein structure and function are either unavailable or do not agree on the potential impact of this missense change. The variant allele was found at a frequency of 4e-06 in 250668 control chromosomes. The available data on variant occurrences in the general population are insufficient to allow any conclusion about variant significance. To our knowledge, no occurrence of c.733A>G in individuals affected with DVL1-related conditions and no experimental evidence demonstrating its impact on protein function have been reported. No submitters have cited clinical-significance assessments for this variant to ClinVar. Based on the evidence outlined above, the variant was classified as uncertain significance.